The following is an entry in ClinVar:

ClinVar aggregate classification (germline): not provided (0 of 4 stars; one submission).

Submission:

ITMI
No classification provided. Condition: AllHighlyPenetrant. Last evaluated: 2013-09-19. Review status: no classification provided. Collection method: reference population. Allele origin: germline.
Comment: Please see associated publication for description of ethnicities

Literature cited by the submitters: PubMed 24728327.

NM_002185.5(IL7R):c.438T>A (p.Phe146Leu)

Gene: IL7R (interleukin 7 receptor; plus strand). Cytogenetic location: 5p13.2.
Variant type: single nucleotide variant.
Coding change: c.438T>A on transcript NM_002185.5 (MANE Select); coding-DNA position 438, T replaced by A.
Protein change: p.Phe146Leu; replaces phenylalanine 146 with leucine.
Molecular consequence: missense variant. On other transcripts: non-coding transcript variant (1).
Genome position (GRCh38, 1-based): chr5:35,871,114, T>A. VCF-style: chr5-35871114-T-A. GRCh37 (hg19) VCF-style: chr5-35871216-T-A.
Other names: short protein forms F146L.
Identifiers: ClinVar variation 134526 (VCV000134526.1), dbSNP rs587778403, ClinGen allele CA160093.